The following is an entry in ClinVar:

ClinVar aggregate classification (germline): Uncertain significance (1 of 4 stars; one submission).

Conditions:
Cardiomyopathy (CMYO). Also called: Cardiomyopathies. Identifiers: Orphanet 167848, MedGen C0878544, MONDO:0004994, HP:0001638. Inheritance: Various modes of inheritance.

gnomAD v4.1: 1 of 1,613,578 alleles (0.000062%); highest among the groups gnomAD compares: Non-Finnish European, 0.000085%; no homozygotes.

Submission:

Color Diagnostics, LLC DBA Color Health
Classification: Uncertain significance for Cardiomyopathy. Last evaluated: 2023-10-18. Review status: criteria provided, single submitter. Criteria: ACMG Guidelines, 2015. Collection method: clinical testing. Allele origin: germline.
Comment: This missense variant replaces asparagine with lysine at codon 2020 of the RYR2 protein. Computational prediction suggests that this variant may not impact protein structure and function (internally defined REVEL score threshold <= 0.5, PMID: 27666373). To our knowledge, functional studies have not been reported for this variant. This variant has not been reported in individuals affected with RYR2-related disorders in the literature. This variant has not been identified in the general population by the Genome Aggregation Database (gnomAD). The available evidence is insufficient to determine the role of this variant in disease conclusively. Therefore, this variant is classified as a Variant of Uncertain Significance.

NM_001035.3(RYR2):c.6060C>G (p.Asn2020Lys)

Gene: RYR2 (ryanodine receptor 2; plus strand). Cytogenetic location: 1q43.
Variant type: single nucleotide variant.
Coding change: c.6060C>G on transcript NM_001035.3 (MANE Select); coding-DNA position 6060, C replaced by G.
Protein change: p.Asn2020Lys; replaces asparagine 2020 with lysine.
Molecular consequence: missense variant.
Genome position (GRCh38, 1-based): chr1:237,625,698, C>G. VCF-style: chr1-237625698-C-G. GRCh37 (hg19) VCF-style: chr1-237788998-C-G.
Other names: short protein forms N2020K.
Identifiers: ClinVar variation 3894405 (VCV003894405.1).
Genomic context (GRCh38, chr1:237,625,698, plus strand): 5'-GCCTCTCTGTTTTTTTATACTAGGAATTGAGCTGGATGAAGATGGGTCTCTGGATGGAAA[C>G]AGTGATTTAACAATTAGAGGGCGTCTGCTATCCCTGGTAGAAAAGGTGACATATCTGAAG-3'
Protein context (NP_001026.2, residues 2010-2030): ELDEDGSLDG[Asn2020Lys]SDLTIRGRLL